The following is an entry in ClinVar:

NM_003628.6(PKP4):c.2744G>A (p.Arg915Gln)

Genes: PKP4 (plakophilin 4; plus strand), PKP4-AS1 (PKP4 antisense RNA 1; minus strand). Cytogenetic location: 2q24.1.
Variant type: single nucleotide variant.
Coding change: c.2744G>A on transcript NM_003628.6 (MANE Select); coding-DNA position 2744, G replaced by A.
Protein change: p.Arg915Gln; replaces arginine 915 with glutamine.
Molecular consequence: missense variant.
Genome position (GRCh38, 1-based): chr2:158,669,735, G>A. VCF-style: chr2-158669735-G-A. GRCh37 (hg19) VCF-style: chr2-159526247-G-A.
Other names: c.2744G>A, p.Arg915Gln (NM_001005476.4, NM_001377218.1, NM_001377225.1); c.2741G>A, p.Arg914Gln (NM_001304969.3, NM_001377219.1, NM_001377220.1 and 2 more transcripts); c.1715G>A, p.Arg572Gln (NM_001304970.3); c.2738G>A, p.Arg913Gln (NM_001377222.1, NM_001377223.1); c.2735G>A, p.Arg912Gln (NM_001377224.1); short protein forms R572Q, R912Q, R913Q, R914Q, R915Q.
Identifiers: ClinVar variation 3223512 (VCV003223512.1), dbSNP rs769108777, ClinGen allele CA1921093.

ClinVar aggregate classification (germline): Uncertain significance (1 of 4 stars; one submission).

Allele frequency attached by ClinVar (database versions not stated): ExAC 0.00001; gnomAD 0.00001; gnomAD exomes 0.00001; TOPMed 0.00002.
gnomAD v4.1: 18 of 1,594,318 alleles (0.0011%); highest among the groups gnomAD compares: East Asian, 0.0022%; no homozygotes.

Submission:

Ambry Genetics
Classification: Uncertain significance. Last evaluated: 2024-03-11. Review status: criteria provided, single submitter. Criteria: Ambry Variant Classification Scheme 2023. Collection method: clinical testing. Allele origin: germline.
Comment: The p.R915Q variant (also known as c.2744G>A), located in coding exon 16 of the PKP4 gene, results from a G to A substitution at nucleotide position 2744. The arginine at codon 915 is replaced by glutamine, an amino acid with highly similar properties. This amino acid position is conserved. In addition, the in silico prediction for this alteration is inconclusive. Based on the available evidence, the clinical significance of this alteration remains unclear.